The following is an entry in ClinVar:

NM_001211.6(BUB1B):c.2947A>G (p.Asn983Asp)

Genes: BUB1B (BUB1 mitotic checkpoint serine/threonine kinase B; plus strand), BUB1B-PAK6 (BUB1B-PAK6 readthrough; plus strand). Cytogenetic location: 15q15.1.
Variant type: single nucleotide variant.
Coding change: c.2947A>G on transcript NM_001211.6 (MANE Select); coding-DNA position 2947, A replaced by G.
Protein change: p.Asn983Asp; replaces asparagine 983 with aspartic acid.
Molecular consequence: missense variant. On other transcripts: intron variant (2).
Genome position (GRCh38, 1-based): chr15:40,218,552, A>G. VCF-style: chr15-40218552-A-G. GRCh37 (hg19) VCF-style: chr15-40510753-A-G.
Other names: c.-201+885A>G (NM_001128628.3); c.-118+885A>G (NM_001128629.3); short protein forms N983D.
Identifiers: ClinVar variation 3221414 (VCV003221414.1), dbSNP rs2542587926, ClinGen allele CA391688397.

ClinVar aggregate classification (germline): Uncertain significance (1 of 4 stars; one submission).

Conditions:
Inborn genetic diseases. Identifiers: MedGen C0950123, MeSH D030342.

Allele frequency attached by ClinVar (database versions not stated): gnomAD exomes below 0.00001.
gnomAD v4.1: 1 of 1,608,314 alleles (0.000062%); highest among the groups gnomAD compares: South Asian, 0.0011%; no homozygotes.

Submission:

Ambry Genetics
Classification: Uncertain significance for Inborn genetic diseases. Last evaluated: 2023-09-20. Review status: criteria provided, single submitter. Criteria: Ambry Variant Classification Scheme 2023. Collection method: clinical testing. Allele origin: germline.
Comment: The p.N983D variant (also known as c.2947A>G), located in coding exon 22 of the BUB1B gene, results from an A to G substitution at nucleotide position 2947. The asparagine at codon 983 is replaced by aspartic acid, an amino acid with highly similar properties. This amino acid position is conserved. In addition, this alteration is predicted to be tolerated by in silico analysis. Since supporting evidence is limited at this time, the clinical significance of this alteration remains unclear.